The following is an entry in ClinVar:

NM_006016.6(CD164):c.511G>T (p.Val171Phe)

Gene: CD164 (CD164 molecule; minus strand). Cytogenetic location: 6q21.
Variant type: single nucleotide variant.
Coding change: c.511G>T on transcript NM_006016.6 (MANE Select); coding-DNA position 511, G replaced by T.
Protein change: p.Val171Phe; replaces valine 171 with phenylalanine.
Molecular consequence: missense variant. On other transcripts: intron variant (1).
Genome position (GRCh38, 1-based): chr6:109,368,934, C>A on the plus strand (G>T on the coding strand, the complement: CD164 is on the minus strand). VCF-style: chr6-109368934-C-A. GRCh37 (hg19) VCF-style: chr6-109690137-C-A.
Other names: c.472G>T, p.Val158Phe (NM_001142401.3); c.454G>T, p.Val152Phe (NM_001142402.3); c.511G>T, p.Val171Phe (NM_001142403.3); c.409G>T, p.Val137Phe (NM_001346500.2); c.428-609G>T (NM_001142404.3); c.511G>T (NM_006016.4); short protein forms V152F, V171F, V158F, V137F.
Identifiers: ClinVar variation 4696946 (VCV004696946.2).

ClinVar aggregate classification (germline): Uncertain significance. Review status: criteria provided, multiple submitters, no conflicts (2 of 4 stars). 2 submissions from 2 submitters: Uncertain significance (2). Last evaluated 2025-11-25.

Submissions (2):

GeneDx
Classification: Uncertain significance. Last evaluated: 2025-11-25. Review status: criteria provided, single submitter. Criteria: GeneDx Variant Classification Process June 2021. Collection method: clinical testing. Allele origin: germline.
Comment: Variants in candidate genes are classified as variants of uncertain significance in accordance with ACMG guidelines (PMID: 25741868); In silico analysis supports that this missense variant has a deleterious effect on protein structure/function; Has not been previously published as pathogenic or benign to our knowledge

Labcorp Genetics (formerly Invitae), Labcorp
Classification: Uncertain significance. Last evaluated: 2025-05-18. Review status: criteria provided, single submitter. Criteria: Invitae Variant Classification Sherloc (09022015). Collection method: clinical testing. Allele origin: germline.
Comment: This sequence change replaces valine, which is neutral and non-polar, with phenylalanine, which is neutral and non-polar, at codon 171 of the CD164 protein (p.Val171Phe). This variant is present in population databases (rs770957576, gnomAD 0.006%). This variant has not been reported in the literature in individuals affected with CD164-related conditions. An algorithm developed to predict the effect of missense changes on protein structure and function (PolyPhen-2) suggests that this variant is likely to be disruptive. In summary, the available evidence is currently insufficient to determine the role of this variant in disease. Therefore, it has been classified as a Variant of Uncertain Significance.